The following is an entry in ClinVar:

ClinVar aggregate classification (germline): Uncertain significance. Review status: criteria provided, multiple submitters, no conflicts (2 of 4 stars). 3 submissions from 3 submitters: Uncertain significance (3). Last evaluated 2025-07-21.

Conditions:
Intellectual developmental disorder, autosomal dominant 29. Also called: Intellectual disability, autosomal dominant 29; SETBP1 Haploinsufficiency Disorder. Identifiers: Orphanet 436151, MedGen C4015141, MONDO:0014482, OMIM 616078.
Schinzel-Giedion syndrome (SGS). Identifiers: Orphanet 798, MedGen C0265227, MONDO:0010010, OMIM 269150.
Inborn genetic diseases. Identifiers: MedGen C0950123, MeSH D030342.

Allele frequency attached by ClinVar (database versions not stated): gnomAD exomes 0.00001 and below 0.00001; ExAC 0.00001; TOPMed 0.00002; gnomAD 0.00001; ESP Exome Variant Server 0.00008.
gnomAD v4.1: 13 of 1,614,044 alleles (0.00081%); highest among the groups gnomAD compares: African/African-American, 0.008%; no homozygotes.

Submissions (3):

Labcorp Genetics (formerly Invitae), Labcorp
Classification: Uncertain significance. Last evaluated: 2025-07-21. Review status: criteria provided, single submitter. Criteria: Invitae Variant Classification Sherloc (09022015). Collection method: clinical testing. Allele origin: germline.
Comment: This sequence change replaces lysine, which is basic and polar, with arginine, which is basic and polar, at codon 1211 of the SETBP1 protein (p.Lys1211Arg). This variant is present in population databases (rs144471715, gnomAD 0.006%). This variant has not been reported in the literature in individuals affected with SETBP1-related conditions. ClinVar contains an entry for this variant (Variation ID: 1411732). Invitae Evidence Modeling of protein sequence and biophysical properties (such as structural, functional, and spatial information, amino acid conservation, physicochemical variation, residue mobility, and thermodynamic stability) indicates that this missense variant is not expected to disrupt SETBP1 protein function with a negative predictive value of 80%. In summary, the available evidence is currently insufficient to determine the role of this variant in disease. Therefore, it has been classified as a Variant of Uncertain Significance.

Ambry Genetics
Classification: Uncertain significance for Inborn genetic diseases. Last evaluated: 2024-09-08. Review status: criteria provided, single submitter. Criteria: Ambry Variant Classification Scheme 2023. Collection method: clinical testing. Allele origin: germline.

Fulgent Genetics
Classification: Uncertain significance for Schinzel-Giedion syndrome; Intellectual developmental disorder, autosomal dominant 29. Last evaluated: 2024-06-11. Review status: criteria provided, single submitter. Criteria: ACMG Guidelines, 2015. Collection method: clinical testing. Allele origin: germline.

NM_015559.3(SETBP1):c.3632A>G (p.Lys1211Arg)

Gene: SETBP1 (SET binding protein 1; plus strand). Cytogenetic location: 18q12.3.
Variant type: single nucleotide variant.
Coding change: c.3632A>G on transcript NM_015559.3 (MANE Select); coding-DNA position 3632, A replaced by G.
Protein change: p.Lys1211Arg; replaces lysine 1211 with arginine.
Molecular consequence: missense variant.
Genome position (GRCh38, 1-based): chr18:44,952,972, A>G. VCF-style: chr18-44952972-A-G. GRCh37 (hg19) VCF-style: chr18-42532937-A-G.
Other names: c.3632A>G, p.Lys1211Arg (NM_001379141.1, NM_001379142.1); c.3632A>G (NM_015559.2); short protein forms K1211R.
Identifiers: ClinVar variation 1411732 (VCV001411732.9), dbSNP rs144471715, ClinGen allele CA8945947.
Genomic context (GRCh38, chr18:44,952,972, plus strand): 5'-GTAGCGCAGACAAAGAGCTCCCGCTGGTGAGTGAGAAGAACAAGCATAAGGAGAAACAGA[A>G]GCACCAGCACAGCGAAGCCGGCCACAAAGCTTCTAAGAACAACTTTGAGGTGGACACCCT-3'
Protein context (NP_056374.2, residues 1201-1221): SEKNKHKEKQ[Lys1211Arg]HQHSEAGHKA